The following is an entry in ClinVar:

ClinVar aggregate classification (germline): Likely pathogenic (0 of 4 stars; one submission).

Conditions:
Short stature and advanced bone age, with or without early-onset osteoarthritis and/or osteochondritis dissecans (SSOAOD). Identifiers: Orphanet 251262, MedGen C3665488, MONDO:0100462, OMIM 165800.

Submission:

Chaochun Lab, Department of Endocrinology, Children's Hospital, Zhejiang University School Of Medicine
Classification: Likely pathogenic for Short stature and advanced bone age, with or without early-onset osteoarthritis and/or osteochondritis dissecans. Last evaluated: 2022-02-16. Review status: no assertion criteria provided. Collection method: clinical testing. Allele origin: unknown. Inheritance: Autosomal dominant inheritance. Affected: yes. Observed: 1 heterozygote.
Comment: We identified a novel nonsense mutation occurred in exon12 (c.6229delG) in ACAN. The mutation may be possibly pathogenic and may cause early truncation of the aggrecan protein (p.Asp2078Tfs*14)， which has not been reported yet in clinvar database.

NM_001369268.1(ACAN):c.6232del (p.Asp2078fs)

Gene: ACAN (aggrecan; plus strand). Cytogenetic location: 15q26.1.
Variant type: Deletion.
Coding change: c.6232del on transcript NM_001369268.1 (MANE Select); coding-DNA position 6232, one base deleted (G; older notation c.6232delG).
Protein change: p.Asp2078fs; shifts the reading frame from aspartic acid 2078.
Molecular consequence: frameshift variant.
Genome position (GRCh38, 1-based): chr15:88,858,817, G deleted; the last of 4 consecutive G bases (chr15:88,858,814-88,858,817); deleting any one gives the same sequence. VCF-style (leftmost placement, unchanged base first): chr15-88858813-TG-T. GRCh37 (hg19) VCF-style: chr15-89402044-TG-T.
Other names: c.6232del, p.Asp2078fs (NM_001135.4, NM_001411096.1, NM_001411097.1 and 1 more transcripts); short protein forms D2078fs.
Identifiers: ClinVar variation 2506425 (VCV002506425.2), dbSNP rs2505331499, ClinGen allele CA2695197216.